The following is an entry in ClinVar:

NM_015909.4(NBAS):c.407G>T (p.Arg136Ile)

Gene: NBAS (NBAS subunit of NRZ tethering complex; minus strand). Cytogenetic location: 2p24.3.
Variant type: single nucleotide variant.
Coding change: c.407G>T on transcript NM_015909.4 (MANE Select); coding-DNA position 407, G replaced by T.
Protein change: p.Arg136Ile; replaces arginine 136 with isoleucine.
Molecular consequence: missense variant. On other transcripts: non-coding transcript variant (1).
Genome position (GRCh38, 1-based): chr2:15,539,329, C>A on the plus strand (G>T on the coding strand, the complement: NBAS is on the minus strand). VCF-style: chr2-15539329-C-A. GRCh37 (hg19) VCF-style: chr2-15679453-C-A.
Other names: short protein forms R136I.
Identifiers: ClinVar variation 3623214 (VCV003623214.2).

ClinVar aggregate classification (germline): Uncertain significance (1 of 4 stars; one submission).

Submission:

Labcorp Genetics (formerly Invitae), Labcorp
Classification: Uncertain significance. Last evaluated: 2025-01-02. Review status: criteria provided, single submitter. Criteria: Invitae Variant Classification Sherloc (09022015). Collection method: clinical testing. Allele origin: germline.
Comment: This sequence change replaces arginine, which is basic and polar, with isoleucine, which is neutral and non-polar, at codon 136 of the NBAS protein (p.Arg136Ile). This variant is not present in population databases (gnomAD no frequency). This variant has not been reported in the literature in individuals affected with NBAS-related conditions. Invitae Evidence Modeling of protein sequence and biophysical properties (such as structural, functional, and spatial information, amino acid conservation, physicochemical variation, residue mobility, and thermodynamic stability) has been performed for this missense variant. However, the output from this modeling did not meet the statistical confidence thresholds required to predict the impact of this variant on NBAS protein function. In summary, the available evidence is currently insufficient to determine the role of this variant in disease. Therefore, it has been classified as a Variant of Uncertain Significance.